The following is an entry in ClinVar:

NM_002691.4(POLD1):c.3260del (p.Lys1087fs)

Gene: POLD1 (DNA polymerase delta 1, catalytic subunit; plus strand). Cytogenetic location: 19q13.33.
Variant type: Deletion.
Coding change: c.3260del on transcript NM_002691.4 (MANE Select); coding-DNA position 3260, one base deleted (A; older notation c.3260delA).
Protein change: p.Lys1087fs; shifts the reading frame from lysine 1087.
Molecular consequence: frameshift variant. On other transcripts: non-coding transcript variant (1).
Genome position (GRCh38, 1-based): chr19:50,417,883, A deleted; the last of 2 consecutive A bases (chr19:50,417,882-50,417,883); deleting either gives the same sequence. VCF-style (leftmost placement, unchanged base first): chr19-50417881-GA-G. GRCh37 (hg19) VCF-style: chr19-50921138-GA-G.
Other names: c.3260del, p.Lys1087fs (NM_001256849.1); c.3338del, p.Lys1113fs (NM_001308632.1); c.3260delA (NM_002691.2); short protein forms K1087fs, K1113fs.
Identifiers: ClinVar variation 940514 (VCV000940514.8), dbSNP rs2039394417, ClinGen allele CA1139666573.

ClinVar aggregate classification (germline): Uncertain significance. Review status: criteria provided, multiple submitters, no conflicts (2 of 4 stars). 2 submissions from 2 submitters: Uncertain significance (2). Last evaluated 2026-02-10.

Conditions:
Hereditary cancer-predisposing syndrome. Also called: Hereditary neoplastic syndrome; Tumor predisposition; Neoplastic Syndromes, Hereditary; Hereditary Cancer Syndrome. Identifiers: Orphanet 140162, MedGen C0027672, MeSH D009386, MONDO:0015356.
POLD1-related polyposis and colorectal cancer syndrome (CRCS10). Also called: Colorectal cancer 10; COLORECTAL CANCER, SUSCEPTIBILITY TO, ON CHROMOSOME 19q; Colorectal cancer, susceptibility to, 10. Identifiers: Orphanet 220460, MedGen C2675481, MONDO:0012953, OMIM 612591.

Submissions (2):

Ambry Genetics
Classification: Uncertain significance for Hereditary cancer-predisposing syndrome. Last evaluated: 2026-02-10. Review status: criteria provided, single submitter. Criteria: Ambry Variant Classification Scheme 2023. Collection method: clinical testing. Allele origin: germline.
Comment: The c.3260delA variant, located in coding exon 26 of the POLD1 gene, results from a deletion of one nucleotide at nucleotide position 3260, causing a translational frameshift with a predicted alternate stop codon (p.K1087Rfs*37). This variant occurs at the 3' terminus of the gene and is not expected to trigger nonsense-mediated mRNA decay. Based on the available evidence, the clinical significance of this variant remains unclear.

Labcorp Genetics (formerly Invitae), Labcorp
Classification: Uncertain significance for POLD1-related polyposis and colorectal cancer syndrome. Last evaluated: 2024-12-23. Review status: criteria provided, single submitter. Criteria: Invitae Variant Classification Sherloc (09022015). Collection method: clinical testing. Allele origin: germline.
Comment: This sequence change creates a premature translational stop signal (p.Lys1087Argfs*37) in the POLD1 gene. While this is not anticipated to result in nonsense mediated decay, it is expected to disrupt the last 21 amino acid(s) of the POLD1 protein. This variant is not present in population databases (gnomAD no frequency). This variant has not been reported in the literature in individuals affected with POLD1-related conditions. ClinVar contains an entry for this variant (Variation ID: 940514). In summary, the available evidence is currently insufficient to determine the role of this variant in disease. Therefore, it has been classified as a Variant of Uncertain Significance.